The following is an entry in ClinVar:

NM_003640.5(ELP1):c.3785del (p.Thr1262fs)

Gene: ELP1 (elongator acetyltransferase complex subunit 1; minus strand). Cytogenetic location: 9q31.3.
Variant type: Deletion.
Coding change: c.3785del on transcript NM_003640.5 (MANE Select); coding-DNA position 3785, one base deleted (C; older notation c.3785delC).
Protein change: p.Thr1262fs; shifts the reading frame from threonine 1262.
Molecular consequence: frameshift variant.
Genome position (GRCh38, 1-based): chr9:108,878,065, G deleted on the plus strand (C on the coding strand, the reverse complement: ELP1 is on the minus strand). VCF-style (leftmost placement, unchanged base first): chr9-108878064-CG-C. GRCh37 (hg19) VCF-style: chr9-111640344-CG-C.
Other names: c.3443del, p.Thr1148fs (NM_001318360.2); c.2738del, p.Thr913fs (NM_001330749.2); short protein forms T1148fs, T1262fs, T913fs.
Identifiers: ClinVar variation 4815236 (VCV004815236.1).
Genomic context (GRCh38, chr9:108,878,064, plus strand): 5'-TGAATTCTGCTGGTAAGTAAGAGTCCAAATTTCTGGAAGTGACCTTTCCATCAACTGCAG[CG>C]TATCTTCAAAGGCCTTCTGTAATTCCCTTCCTTGTTCATCAAACTCAAAGAGAAAGAGTA-3'

ClinVar aggregate classification (germline): Likely pathogenic (1 of 4 stars; one submission).

Conditions:
Familial dysautonomia. Also called: HSAN III; FD. Identifiers: Orphanet 1764, MedGen C0013364, MONDO:0009131, OMIM 223900. Disease mechanism: loss of function.

Submission:

Natera, Inc.
Classification: Likely pathogenic for Familial dysautonomia. Last evaluated: 2024-07-01. Review status: criteria provided, single submitter. Criteria: Natera Variant Classification Schema (03/2026). Collection method: clinical testing. Allele origin: germline.
Comment: The c.3785del variant in ELP1 is a frameshift variant predicted to shift the reading frame beginning at codon 1262 and leads to a stop codon 4 codons downstream. This variant is expected to result in nonsense mediated decay, truncation, or a dysfunctional protein product. This variant is rare in the general population with a frequency below the threshold expected for the associated phenotype(s). Given the available evidence, this variant is classified as Likely Pathogenic.